The following is an entry in ClinVar:

ClinVar aggregate classification (germline): Uncertain significance (1 of 4 stars; one submission).

Allele frequency attached by ClinVar (database versions not stated): gnomAD exomes below 0.00001; gnomAD 0.00002 and 0.00003; TOPMed 0.00002; 1000 Genomes Project 30x 0.00031.
gnomAD v4.1: 6 of 1,614,128 alleles (0.00037%); highest among the groups gnomAD compares: Admixed American, 0.005%; no homozygotes.

Submission:

Labcorp Genetics (formerly Invitae), Labcorp
Classification: Uncertain significance. Last evaluated: 2022-06-03. Review status: criteria provided, single submitter. Criteria: Invitae Variant Classification Sherloc (09022015). Collection method: clinical testing. Allele origin: germline.
Comment: This sequence change replaces arginine, which is basic and polar, with histidine, which is basic and polar, at codon 192 of the PRPF4 protein (p.Arg192His). This variant is not present in population databases (gnomAD no frequency). This missense change has been observed in individual(s) with autosomal dominant retinitis pigmentosa (PMID: 25383878). ClinVar contains an entry for this variant (Variation ID: 967144). Algorithms developed to predict the effect of missense changes on protein structure and function (SIFT, PolyPhen-2, Align-GVGD) all suggest that this variant is likely to be disruptive. Experimental studies have shown that this missense change affects PRPF4 function (PMID: 25383878). In summary, the available evidence is currently insufficient to determine the role of this variant in disease. Therefore, it has been classified as a Variant of Uncertain Significance.

Literature cited by the submitters: PubMed 25383878.

NM_001244926.2(PRPF4):c.572G>A (p.Arg191His)

Gene: PRPF4 (pre-mRNA splicing tri-snRNP complex factor PRPF4; plus strand). Cytogenetic location: 9q32.
Variant type: single nucleotide variant.
Coding change: c.572G>A on transcript NM_001244926.2 (MANE Select); coding-DNA position 572, G replaced by A.
Protein change: p.Arg191His; replaces arginine 191 with histidine.
Molecular consequence: missense variant. On other transcripts: 5 prime UTR variant (2), non-coding transcript variant (2).
Genome position (GRCh38, 1-based): chr9:113,283,400, G>A. VCF-style: chr9-113283400-G-A. GRCh37 (hg19) VCF-style: chr9-116045680-G-A.
Other names: c.-194G>A (NM_001322266.2, NM_001322267.2); c.575G>A, p.Arg192His (NM_004697.5); short protein forms R191H, R192H.
Identifiers: ClinVar variation 967144 (VCV000967144.8), dbSNP rs41296057, ClinGen allele CA198544059.